The following is an entry in ClinVar:

NM_001367624.2(ZNF469):c.9622C>T (p.Arg3208Trp)

Gene: ZNF469 (zinc finger protein 469; plus strand). Cytogenetic location: 16q24.2.
Variant type: single nucleotide variant.
Coding change: c.9622C>T on transcript NM_001367624.2 (MANE Select); coding-DNA position 9622, C replaced by T.
Protein change: p.Arg3208Trp; replaces arginine 3208 with tryptophan.
Molecular consequence: missense variant.
Genome position (GRCh38, 1-based): chr16:88,437,092, C>T. VCF-style: chr16-88437092-C-T. GRCh37 (hg19) VCF-style: chr16-88503500-C-T.
Other names: short protein forms R3208W.
Identifiers: ClinVar variation 432739 (VCV000432739.1), dbSNP rs936945500, ClinGen allele CA286385610.

ClinVar aggregate classification (germline): Uncertain significance (1 of 4 stars; one submission).

Allele frequency attached by ClinVar (database versions not stated): gnomAD exomes 0.00001.
gnomAD v4.1: 9 of 1,545,626 alleles (0.00058%); highest among the groups gnomAD compares: Admixed American, 0.002%; no homozygotes.

Submission:

GeneDx
Classification: Uncertain significance. Last evaluated: 2017-06-16. Review status: criteria provided, single submitter. Criteria: GeneDx Variant Classification (06012015). Collection method: clinical testing. Allele origin: germline. Affected: yes.
Comment: The R3180W variant of uncertain significance in the ZNF469 gene has not been published as pathogenic or been reported as benign to our knowledge. Data from control individuals was not available to assess whether R3180W may be a common benign variant in the general population (Lek et al., 2016; 1000 Genomes Consortium et al., 2015; Exome Variant Server). The R3180W variant is a non-conservative amino acid substitution, which is likely to impact secondary protein structure as these residues differ in polarity, charge, size and/or other properties. However, this substitution occurs at a position that is not conserved. In silico analysis is inconsistent in its predictions as to whether or not the variant is damaging to the protein structure/function. Finally, no pathogenic missense variants in nearby residues have been reported in the Human Gene Mutation Database (Stenson et al., 2014), indicating that this region of the gene is not known to harbor disease-causing variants.